The following is an entry in ClinVar:

NM_001031710.3(KLHL7):c.500A>G (p.Asp167Gly)

Gene: KLHL7 (kelch like family member 7; plus strand). Cytogenetic location: 7p15.3.
Variant type: single nucleotide variant.
Coding change: c.500A>G on transcript NM_001031710.3 (MANE Select); coding-DNA position 500, A replaced by G.
Protein change: p.Asp167Gly; replaces aspartic acid 167 with glycine.
Molecular consequence: missense variant. On other transcripts: non-coding transcript variant (1).
Genome position (GRCh38, 1-based): chr7:23,140,826, A>G. VCF-style: chr7-23140826-A-G. GRCh37 (hg19) VCF-style: chr7-23180445-A-G.
Other names: c.356A>G, p.Asp119Gly (NM_018846.5); short protein forms D119G, D167G.
Identifiers: ClinVar variation 4855610 (VCV004855610.1).

ClinVar aggregate classification (germline): Uncertain significance (1 of 4 stars; one submission).

Conditions:
Retinitis pigmentosa 42 (RP42). Identifiers: Orphanet 791, MedGen C2751986, MONDO:0013052, OMIM 612943.

Submission:

3billion
Classification: Uncertain significance for Retinitis pigmentosa 42. Last evaluated: 2025-08-28. Review status: criteria provided, single submitter. Criteria: ACMG Guidelines, 2015. Collection method: clinical testing. Allele origin: germline. Affected: yes.
Comment: The variant is not observed in the gnomAD v4.1.0 dataset. Predicted Consequence/Location: Missense variant Damaging effect on gene or gene product predicted by in silico programs is uncertain [REVEL: 0.53 (damaging >=0.6, benign <0.4), 3Cnet: 0.57 (damaging >0.75, benign <0.1)]. Therefore, this variant is classified as VUS according to the recommendation of ACMG/AMP guideline.